The following is an entry in ClinVar:

NM_003458.4(BSN):c.10379G>A (p.Ser3460Asn)

Gene: BSN (bassoon presynaptic cytomatrix protein; plus strand). Cytogenetic location: 3p21.31.
Variant type: single nucleotide variant.
Coding change: c.10379G>A on transcript NM_003458.4 (MANE Select); coding-DNA position 10379, G replaced by A.
Protein change: p.Ser3460Asn; replaces serine 3460 with asparagine.
Molecular consequence: missense variant.
Genome position (GRCh38, 1-based): chr3:49,662,224, G>A. VCF-style: chr3-49662224-G-A. GRCh37 (hg19) VCF-style: chr3-49699657-G-A.
Other names: short protein forms S3460N.
Identifiers: ClinVar variation 3049252 (VCV003049252.2), dbSNP rs2472929518, ClinGen allele CA352861272.

ClinVar aggregate classification (germline): Uncertain significance (0 of 4 stars; one submission).

Conditions:
BSN-related disorder. Also called: BSN-related condition.

Allele frequency attached by ClinVar (database versions not stated): gnomAD exomes 0.00002.
gnomAD v4.1: 15 of 1,613,732 alleles (0.00093%); highest among the groups gnomAD compares: Non-Finnish European, 0.0013%; no homozygotes.

Submission:

PreventionGenetics, part of Exact Sciences
Classification: Uncertain significance for BSN-related condition. Last evaluated: 2023-10-31. Review status: no assertion criteria provided. Collection method: clinical testing. Allele origin: germline.
Comment: The BSN c.10379G>A variant is predicted to result in the amino acid substitution p.Ser3460Asn. To our knowledge, this variant has not been reported in the literature or in a large population database, indicating this variant is rare. At this time, the clinical significance of this variant is uncertain due to the absence of conclusive functional and genetic evidence.